The following is an entry in ClinVar:

NM_001352754.2(ARMC9):c.953A>T (p.Tyr318Phe)

Gene: ARMC9 (armadillo repeat containing 9; plus strand). Cytogenetic location: 2q37.1.
Variant type: single nucleotide variant.
Coding change: c.953A>T on transcript NM_001352754.2 (MANE Select); coding-DNA position 953, A replaced by T.
Protein change: p.Tyr318Phe; replaces tyrosine 318 with phenylalanine.
Molecular consequence: missense variant. On other transcripts: non-coding transcript variant (1).
Genome position (GRCh38, 1-based): chr2:231,259,029, A>T. VCF-style: chr2-231259029-A-T. GRCh37 (hg19) VCF-style: chr2-232123742-A-T.
Other names: c.953A>T, p.Tyr318Phe (NM_001271466.4, NM_001291656.2, NM_001352755.2 and 3 more transcripts); c.854A>T, p.Tyr285Phe (NM_001352757.2, NM_001352758.2); short protein forms Y318F, Y285F.
Identifiers: ClinVar variation 2096671 (VCV002096671.4), dbSNP rs959929161, ClinGen allele CA66848664.

ClinVar aggregate classification (germline): Uncertain significance (1 of 4 stars; one submission).

Allele frequency attached by ClinVar (database versions not stated): gnomAD exomes below 0.00001.
gnomAD v4.1: 2 of 1,614,056 alleles (0.00012%); highest among the groups gnomAD compares: African/African-American, 0.0027%; no homozygotes.

Submission:

Labcorp Genetics (formerly Invitae), Labcorp
Classification: Uncertain significance. Last evaluated: 2025-03-31. Review status: criteria provided, single submitter. Criteria: Invitae Variant Classification Sherloc (09022015). Collection method: clinical testing. Allele origin: germline.
Comment: This sequence change replaces tyrosine, which is neutral and polar, with phenylalanine, which is neutral and non-polar, at codon 318 of the ARMC9 protein (p.Tyr318Phe). This variant is not present in population databases (gnomAD no frequency). This variant has not been reported in the literature in individuals affected with ARMC9-related conditions. ClinVar contains an entry for this variant (Variation ID: 2096671). Experimental studies and prediction algorithms are not available or were not evaluated, and the functional significance of this variant is currently unknown. In summary, the available evidence is currently insufficient to determine the role of this variant in disease. Therefore, it has been classified as a Variant of Uncertain Significance.